The following is an entry in ClinVar:

ClinVar aggregate classification (germline): Benign. Review status: criteria provided, single submitter (1 of 4 stars). 2 submissions from 2 submitters: Benign (1). 1 of the submissions does not count toward it. Last evaluated 2025-12-08.

Conditions:
SIRT1-related disorder. Also called: SIRT1-related condition.

Submissions (2):

Labcorp Genetics (formerly Invitae), Labcorp
Classification: Benign. Last evaluated: 2025-12-08. Review status: criteria provided, single submitter. Criteria: Invitae Variant Classification Sherloc (09022015). Collection method: clinical testing. Allele origin: germline.

PreventionGenetics, part of Exact Sciences
Classification: Likely benign for SIRT1-related condition. Last evaluated: 2023-05-22. Review status: no assertion criteria provided. Collection method: clinical testing. Allele origin: germline. Not counted in ClinVar's aggregate classification.
Comment: This variant is classified as likely benign based on ACMG/AMP sequence variant interpretation guidelines (Richards et al. 2015 PMID: 25741868, with internal and published modifications).

NM_012238.5(SIRT1):c.192_215del (p.Arg65_Ala72del)

Genes: SIRT1 (sirtuin 1; plus strand), LOC107832851 (SIRT1 promoter region; plus strand). Cytogenetic location: 10q21.3.
Variant type: Deletion.
Coding change: c.192_215del on transcript NM_012238.5 (MANE Select); coding-DNA positions 192 to 215, 24 bases deleted (CAGGGGCTGCCCGGGTGCGGCGGC).
Protein change: p.Arg65_Ala72del.
Molecular consequence: inframe deletion.
Genome position (GRCh38, 1-based): chr10:67,884,913-67,884,936, CAGGGGCTGCCCGGGTGCGGCGGC deleted; deleting any 24 consecutive bases within chr10:67,884,905-67,884,936 gives the same sequence; the c. name uses the placement nearest the transcript's 3' end. VCF-style (leftmost placement, unchanged base first): chr10-67884904-GGCGGCGGCCAGGGGCTGCCCGGGT-G. GRCh37 (hg19) VCF-style: chr10-69644662-GGCGGCGGCCAGGGGCTGCCCGGGT-G.
Other names: c.192_215del24 (NM_012238.4).
Identifiers: ClinVar variation 2047588 (VCV002047588.6), dbSNP rs550763057, ClinGen allele CA5520975.